The following is an entry in ClinVar:

NM_000051.4(ATM):c.4491_4501del (p.Leu1497fs)

Gene: ATM (ATM serine/threonine kinase; plus strand). Cytogenetic location: 11q22.3.
Variant type: Deletion.
Coding change: c.4491_4501del on transcript NM_000051.4 (MANE Select); coding-DNA positions 4491 to 4501, 11 bases deleted (ATTAAGTCAGG).
Protein change: p.Leu1497fs; shifts the reading frame from leucine 1497.
Molecular consequence: frameshift variant.
Genome position (GRCh38, 1-based): chr11:108,292,673-108,292,683, ATTAAGTCAGG deleted. VCF-style (leftmost placement, unchanged base first): chr11-108292672-TATTAAGTCAGG-T. GRCh37 (hg19) VCF-style: chr11-108163399-TATTAAGTCAGG-T.
Other names: c.4491_4501del, p.Leu1497fs (NM_001351834.2); short protein forms L1497fs.
Identifiers: ClinVar variation 4726890 (VCV004726890.1).

ClinVar aggregate classification (germline): Pathogenic (1 of 4 stars; one submission).

Conditions:
Ataxia-telangiectasia syndrome (AT). Also called: ATAXIA-TELANGIECTASIA, COMPLEMENTATION GROUP A; ATAXIA-TELANGIECTASIA, FRESNO VARIANT; Ataxia-telangiectasia; LOUIS-BAR SYNDROME; Cerebello-oculocutaneous telangiectasia; Immunodeficiency with ataxia telangiectasia. Identifiers: Orphanet 100, MedGen C0004135, MONDO:0008840, OMIM 208900.

Submission:

Labcorp Genetics (formerly Invitae), Labcorp
Classification: Pathogenic for Ataxia-telangiectasia syndrome. Last evaluated: 2025-09-09. Review status: criteria provided, single submitter. Criteria: Invitae Variant Classification Sherloc (09022015). Collection method: clinical testing. Allele origin: germline.
Comment: This sequence change creates a premature translational stop signal (p.Leu1497Phefs*10) in the ATM gene. It is expected to result in an absent or disrupted protein product. Loss-of-function variants in ATM are known to be pathogenic (PMID: 23807571, 25614872). This variant is not present in population databases (gnomAD no frequency). This variant has not been reported in the literature in individuals affected with ATM-related conditions. For these reasons, this variant has been classified as Pathogenic.

Literature cited by the submitters: PubMed 23807571; PubMed 25614872.